The following is an entry in ClinVar:

ClinVar aggregate classification (germline): Uncertain significance. Review status: criteria provided, single submitter (1 of 4 stars). 2 submissions from 1 submitter: Uncertain significance (2). Last evaluated 2020-06-02.

Conditions:
Combined immunodeficiency due to OX40 deficiency. Also called: Immunodeficiency 16; OX40 DEFICIENCY. Identifiers: Orphanet 431149, MedGen C3810053, MONDO:0014268, OMIM 615593.
Spondyloepimetaphyseal dysplasia with joint laxity, type 1, with or without fractures (SEMDJL1). Also called: SPONDYLOEPIMETAPHYSEAL DYSPLASIA WITH JOINT LAXITY, TYPE 1. Identifiers: Orphanet 642099, Orphanet 93359, MedGen C4017377, MONDO:0010075, OMIM 271640.
Ehlers-Danlos syndrome, spondylodysplastic type, 2 (EDSSPD2). Also called: Ehlers-Danlos syndrome, progeroid type, 2. Identifiers: Orphanet 536467, Orphanet 75496, MedGen C3809210, MONDO:0014139, OMIM 615349.

Submissions (2):

Labcorp Genetics (formerly Invitae), Labcorp
Classification: Uncertain significance for Combined immunodeficiency due to OX40 deficiency. Last evaluated: 2020-06-02. Review status: criteria provided, single submitter. Criteria: Invitae Variant Classification Sherloc (09022015). Collection method: clinical testing. Allele origin: germline.
Comment: This variant results in a copy number gain of the genomic region encompassing the full coding sequence of the TNFRSF4 gene. The boundaries of this event are unknown as they extend beyond the assayed region for this gene and therefore may encompass additional genes. As the precise location of this event is unknown, it may be in tandem or it may be located elsewhere in the genome. This variant has not been reported in the literature in individuals with TNFRSF4-related conditions. Experimental studies and prediction algorithms are not available or were not evaluated, and the functional significance of this variant is currently unknown. In summary, the available evidence is currently insufficient to determine the role of this variant in disease. Therefore, it has been classified as a Variant of Uncertain Significance.

Labcorp Genetics (formerly Invitae), Labcorp
Classification: Uncertain significance for Ehlers-Danlos syndrome, progeroid type, 2; Spondyloepimetaphyseal dysplasia with joint laxity. Last evaluated: 2018-08-20. Review status: criteria provided, single submitter. Criteria: Invitae Variant Classification Sherloc (09022015). Collection method: clinical testing. Allele origin: germline.
Comment: This variant results in a copy number gain of the genomic region encompassing the full coding sequence of the B3GALT6 gene. The boundaries of this event are unknown as they extend beyond the assayed region for this gene and therefore may encompass additional genes. As the precise location of this event is unknown, it may be in tandem or it may be located elsewhere in the genome. This variant has not been reported in the literature in individuals with B3GALT6-related disease. In summary, the available evidence is currently insufficient to determine the role of this variant in disease. Therefore, it has been classified as a Variant of Uncertain Significance.

NC_000001.10:g.(?_1146915)_(1168668_?)dup

Genes: B3GALT6 (beta-1,3-galactosyltransferase 6; plus strand), SDF4 (stromal cell derived factor 4; minus strand), TNFRSF4 (TNF receptor superfamily member 4; minus strand). Cytogenetic location: 1p36.33.
Variant type: Duplication.
Identifiers: ClinVar variation 1020063 (VCV001020063.1).